The following is an entry in ClinVar:

NM_001297.5(CNGB1):c.1151A>G (p.Gln384Arg)

Gene: CNGB1 (cyclic nucleotide gated channel subunit beta 1; minus strand). Cytogenetic location: 16q21.
Variant type: single nucleotide variant.
Coding change: c.1151A>G on transcript NM_001297.5 (MANE Select); coding-DNA position 1151, A replaced by G.
Protein change: p.Gln384Arg; replaces glutamine 384 with arginine.
Molecular consequence: missense variant.
Genome position (GRCh38, 1-based): chr16:57,940,292, T>C on the plus strand (A>G on the coding strand, the complement: CNGB1 is on the minus strand). VCF-style: chr16-57940292-T-C. GRCh37 (hg19) VCF-style: chr16-57974196-T-C.
Other names: c.1133A>G, p.Gln378Arg (NM_001286130.2); short protein forms Q378R, Q384R.
Identifiers: ClinVar variation 1051656 (VCV001051656.9), dbSNP rs1421545538, ClinGen allele CA396073668.

ClinVar aggregate classification (germline): Uncertain significance. Review status: criteria provided, multiple submitters, no conflicts (2 of 4 stars). 2 submissions from 2 submitters: Uncertain significance (2). Last evaluated 2025-03-17.

Allele frequency attached by ClinVar (database versions not stated): gnomAD 0.00001; gnomAD exomes 0.00001.
gnomAD v4.1: 17 of 1,583,460 alleles (0.0011%); highest among the groups gnomAD compares: East Asian, 0.0023%; no homozygotes.

Submissions (2):

Labcorp Genetics (formerly Invitae), Labcorp
Classification: Uncertain significance. Last evaluated: 2025-03-17. Review status: criteria provided, single submitter. Criteria: Invitae Variant Classification Sherloc (09022015). Collection method: clinical testing. Allele origin: germline.
Comment: This sequence change replaces glutamine, which is neutral and polar, with arginine, which is basic and polar, at codon 384 of the CNGB1 protein (p.Gln384Arg). The frequency data for this variant in the population databases is considered unreliable, as metrics indicate poor data quality at this position in the gnomAD database. This variant has not been reported in the literature in individuals affected with CNGB1-related conditions. ClinVar contains an entry for this variant (Variation ID: 1051656). Invitae Evidence Modeling of protein sequence and biophysical properties (such as structural, functional, and spatial information, amino acid conservation, physicochemical variation, residue mobility, and thermodynamic stability) indicates that this missense variant is not expected to disrupt CNGB1 protein function with a negative predictive value of 95%. In summary, the available evidence is currently insufficient to determine the role of this variant in disease. Therefore, it has been classified as a Variant of Uncertain Significance.

Blueprint Genetics
Classification: Uncertain significance. Last evaluated: 2021-08-13. Review status: criteria provided, single submitter. Criteria: ACMG Guidelines, 2015. Collection method: clinical testing. Allele origin: germline.